The following is an entry in ClinVar:

NM_004100.5(EYA4):c.*1658C>T

Genes: TARID (TCF21 antisense RNA inducing promoter demethylation; minus strand), EYA4 (EYA transcriptional coactivator and phosphatase 4; plus strand). Cytogenetic location: 6q23.2.
Variant type: single nucleotide variant.
Coding change: c.*1658C>T on transcript NM_004100.5 (MANE Select); 1658 bases downstream of the stop codon, C replaced by T.
Molecular consequence: 3 prime UTR variant.
Genome position (GRCh38, 1-based): chr6:133,530,463, C>T. VCF-style: chr6-133530463-C-T. GRCh37 (hg19) VCF-style: chr6-133851601-C-T.
Other names: c.*1658C>T (NM_001301012.2, NM_001301013.2, NM_001370458.1 and 3 more transcripts).
Identifiers: ClinVar variation 355457 (VCV000355457.6), dbSNP rs73546865, ClinGen allele CA10626005.

ClinVar aggregate classification (germline): Benign. Review status: criteria provided, multiple submitters, no conflicts (2 of 4 stars). 3 submissions from 2 submitters: Benign (3). Last evaluated 2021-05-12.

Conditions:
Dilated cardiomyopathy 1J (CMD1J). Also called: CARDIOMYOPATHY, DILATED, WITH SENSORINEURAL HEARING LOSS, AUTOSOMAL DOMINANT. Identifiers: Orphanet 217622, MedGen C1854368, MONDO:0011541, OMIM 605362.
Autosomal dominant nonsyndromic hearing loss 10. Identifiers: Orphanet 90635, MedGen C1832476, MONDO:0011031, OMIM 601316.

Allele frequency attached by ClinVar (database versions not stated): 1000 Genomes Project 0.03734; 1000 Genomes Project 30x 0.03904; gnomAD 0.03909 and 0.04226; TOPMed 0.04421.
gnomAD v4.1: 8,440 of 985,670 alleles (0.86%); highest among the groups gnomAD compares: African/African-American, 13%; 565 homozygotes.

Submissions (3):

GeneDx
Classification: Benign. Last evaluated: 2021-05-12. Review status: criteria provided, single submitter. Criteria: GeneDx Variant Classification Process June 2021. Collection method: clinical testing. Allele origin: germline. Affected: yes.

Illumina Laboratory Services, Illumina
Classification: Benign for Autosomal dominant nonsyndromic hearing loss 10. Last evaluated: 2018-01-13. Review status: criteria provided, single submitter. Criteria: ICSL Variant Classification Criteria 13 December 2019. Collection method: clinical testing. Allele origin: germline.
Comment: This variant was observed in the ICSL laboratory as part of a predisposition screen in an ostensibly healthy population. It had not been previously curated by ICSL or reported in the Human Gene Mutation Database (HGMD: prior to June 1st, 2018), and was therefore a candidate for classification through an automated scoring system. Utilizing variant allele frequency, disease prevalence and penetrance estimates, and inheritance mode, an automated score was calculated to assess if this variant is too frequent to cause the disease. Based on the score and internal cut-off values, a variant classified as benign is not then subjected to further curation. The score for this variant resulted in a classification of benign for this disease.

Illumina Laboratory Services, Illumina
Classification: Benign for Dilated cardiomyopathy 1J. Last evaluated: 2018-01-13. Review status: criteria provided, single submitter. Criteria: ICSL Variant Classification Criteria 13 December 2019. Collection method: clinical testing. Allele origin: germline.
Comment: the same text as in the submission from Illumina Laboratory Services, Illumina above.